The following is an entry in ClinVar:

NM_004100.5(EYA4):c.1643C>T (p.Thr548Met)

Genes: TARID (TCF21 antisense RNA inducing promoter demethylation; minus strand), EYA4 (EYA transcriptional coactivator and phosphatase 4; plus strand). Cytogenetic location: 6q23.2.
Variant type: single nucleotide variant.
Coding change: c.1643C>T on transcript NM_004100.5 (MANE Select); coding-DNA position 1643, C replaced by T.
Protein change: p.Thr548Met; replaces threonine 548 with methionine.
Molecular consequence: missense variant.
Genome position (GRCh38, 1-based): chr6:133,523,082, C>T. VCF-style: chr6-133523082-C-T. GRCh37 (hg19) VCF-style: chr6-133844220-C-T.
Other names: c.1481C>T, p.Thr494Met (NM_001301012.2); c.1661C>T, p.Thr554Met (NM_001301013.2); c.1574C>T, p.Thr525Met (NM_001370458.1, NM_172103.4); c.1499C>T, p.Thr500Met (NM_001370459.1); c.1643C>T, p.Thr548Met (NM_172105.4); short protein forms T548M, T494M, T500M, T525M, T554M.
Identifiers: ClinVar variation 534387 (VCV000534387.8), dbSNP rs1173190962, ClinGen allele CA365698443.

ClinVar aggregate classification (germline): Uncertain significance (1 of 4 stars; one submission).

Conditions:
Dilated cardiomyopathy 1J (CMD1J). Also called: CARDIOMYOPATHY, DILATED, WITH SENSORINEURAL HEARING LOSS, AUTOSOMAL DOMINANT. Identifiers: Orphanet 217622, MedGen C1854368, MONDO:0011541, OMIM 605362.

Allele frequency attached by ClinVar (database versions not stated): TOPMed below 0.00001; gnomAD 0.00001; gnomAD exomes 0.00001.
gnomAD v4.1: 10 of 1,611,858 alleles (0.00062%); highest among the groups gnomAD compares: Admixed American, 0.0017%; no homozygotes.

Submission:

Labcorp Genetics (formerly Invitae), Labcorp
Classification: Uncertain significance for Dilated cardiomyopathy 1J. Last evaluated: 2023-10-25. Review status: criteria provided, single submitter. Criteria: Invitae Variant Classification Sherloc (09022015). Collection method: clinical testing. Allele origin: germline.
Comment: This sequence change replaces threonine, which is neutral and polar, with methionine, which is neutral and non-polar, at codon 548 of the EYA4 protein (p.Thr548Met). This variant is present in population databases (no rsID available, gnomAD 0.004%). This variant has not been reported in the literature in individuals affected with EYA4-related conditions. ClinVar contains an entry for this variant (Variation ID: 534387). Advanced modeling of protein sequence and biophysical properties (such as structural, functional, and spatial information, amino acid conservation, physicochemical variation, residue mobility, and thermodynamic stability) performed at Invitae indicates that this missense variant is expected to disrupt EYA4 protein function with a positive predictive value of 80%. In summary, the available evidence is currently insufficient to determine the role of this variant in disease. Therefore, it has been classified as a Variant of Uncertain Significance.